The following is an entry in ClinVar:

ClinVar aggregate classification (germline): Uncertain significance (1 of 4 stars; one submission).

Submission:

Ambry Genetics
Classification: Uncertain significance. Last evaluated: 2025-03-18. Review status: criteria provided, single submitter. Criteria: Ambry Variant Classification Scheme 2023. Collection method: clinical testing. Allele origin: germline.
Comment: The p.L28P variant (also known as c.83T>C), located in coding exon 1 of the GALNT12 gene, results from a T to C substitution at nucleotide position 83. The leucine at codon 28 is replaced by proline, an amino acid with similar properties. This amino acid position is conserved on limited sequence alignment. In addition, this alteration is predicted to be tolerated by in silico analysis. Since supporting evidence is limited at this time, the clinical significance of this alteration remains unclear.

NM_024642.5(GALNT12):c.83T>C (p.Leu28Pro)

Genes: GALNT12 (polypeptide N-acetylgalactosaminyltransferase 12; plus strand), LOC130002222 (ATAC-STARR-seq lymphoblastoid silent region 20123; plus strand). Cytogenetic location: 9q22.33.
Variant type: single nucleotide variant.
Coding change: c.83T>C on transcript NM_024642.5 (MANE Select); coding-DNA position 83, T replaced by C.
Protein change: p.Leu28Pro; replaces leucine 28 with proline.
Molecular consequence: missense variant.
Genome position (GRCh38, 1-based): chr9:98,807,781, T>C. VCF-style: chr9-98807781-T-C. GRCh37 (hg19) VCF-style: chr9-101570063-T-C.
Other names: short protein forms L28P.
Identifiers: ClinVar variation 1763249 (VCV001763249.3), dbSNP rs2490454955, ClinGen allele CA374222216.